The following is an entry in ClinVar:

ClinVar aggregate classification (germline): Benign (1 of 4 stars; one submission).

Allele frequency attached by ClinVar (database versions not stated): ESP Exome Variant Server 0.00750; gnomAD exomes 0.00776; 1000 Genomes Project 0.00799; gnomAD 0.00847; 1000 Genomes Project 30x 0.00921; TOPMed 0.00956.

Submission:

CeGaT Center for Human Genetics Tuebingen
Classification: Benign. Last evaluated: 2023-09-01. Review status: criteria provided, single submitter. Criteria: CeGaT Center For Human Genetics Tuebingen Variant Classification Criteria Version 2. Collection method: clinical testing. Allele origin: germline. Affected: yes. Observed: 1 variant allele.
Comment: LMNTD2: BP4, BP7, BS1, BS2

NM_173573.3(LMNTD2):c.1761A>G (p.Glu587=)

Gene: LMNTD2 (lamin tail domain containing 2; minus strand). Cytogenetic location: 11p15.5.
Variant type: single nucleotide variant.
Coding change: c.1761A>G on transcript NM_173573.3 (MANE Select); coding-DNA position 1761, A replaced by G.
Protein change: p.Glu587=; no amino-acid change (glutamic acid 587 retained).
Molecular consequence: synonymous variant.
Genome position (GRCh38, 1-based): chr11:555,317, T>C on the plus strand (A>G on the coding strand, the complement: LMNTD2 is on the minus strand). VCF-style: chr11-555317-T-C. GRCh37 (hg19) VCF-style: chr11-555317-T-C.
Identifiers: ClinVar variation 2641070 (VCV002641070.24), dbSNP rs143504198, ClinGen allele CA5780285.